The following is an entry in ClinVar:

ClinVar aggregate classification (germline): Uncertain significance (1 of 4 stars; one submission).

gnomAD v4.1: 10 of 1,597,796 alleles (0.00063%); highest among the groups gnomAD compares: Admixed American, 0.0052%; no homozygotes.

Submission:

Labcorp Genetics (formerly Invitae), Labcorp
Classification: Uncertain significance. Last evaluated: 2025-04-12. Review status: criteria provided, single submitter. Criteria: Invitae Variant Classification Sherloc (09022015). Collection method: clinical testing. Allele origin: germline.
Comment: This sequence change replaces arginine, which is basic and polar, with tryptophan, which is neutral and slightly polar, at codon 1159 of the MYH14 protein (p.Arg1159Trp). This variant is present in population databases (no rsID available, gnomAD 0.01%). This variant has not been reported in the literature in individuals affected with MYH14-related conditions. Invitae Evidence Modeling of protein sequence and biophysical properties (such as structural, functional, and spatial information, amino acid conservation, physicochemical variation, residue mobility, and thermodynamic stability) indicates that this missense variant is expected to disrupt MYH14 protein function with a positive predictive value of 80%. In summary, the available evidence is currently insufficient to determine the role of this variant in disease. Therefore, it has been classified as a Variant of Uncertain Significance.

NM_001145809.2(MYH14):c.3598C>T (p.Arg1200Trp)

Gene: MYH14 (myosin heavy chain 14; plus strand). Cytogenetic location: 19q13.33.
Variant type: single nucleotide variant.
Coding change: c.3598C>T on transcript NM_001145809.2 (MANE Select); coding-DNA position 3598, C replaced by T.
Protein change: p.Arg1200Trp; replaces arginine 1200 with tryptophan.
Molecular consequence: missense variant.
Genome position (GRCh38, 1-based): chr19:50,276,121, C>T. VCF-style: chr19-50276121-C-T. GRCh37 (hg19) VCF-style: chr19-50779378-C-T.
Other names: c.3499C>T, p.Arg1167Trp (NM_001077186.2); c.3475C>T, p.Arg1159Trp (NM_024729.4); short protein forms R1159W, R1167W, R1200W.
Identifiers: ClinVar variation 4701613 (VCV004701613.1).
Genomic context (GRCh38, chr19:50,276,121, plus strand): 5'-GAGGCCCAGGAGGACCTGGAGTCTGAGCGTGTGGCCAGGACCAAGGCGGAGAAGCAGCGC[C>T]GGGACCTGGGCGAGGAGCTGGAGGCGCTGCGGGGCGAGCTGGAGGACACGCTGGACTCCA-3'
Protein context (NP_001139281.1, residues 1190-1210): VARTKAEKQR[Arg1200Trp]DLGEELEALR